The following is an entry in ClinVar:

ClinVar aggregate classification (germline): Uncertain significance. Review status: criteria provided, multiple submitters, no conflicts (2 of 4 stars). 6 submissions from 6 submitters: Uncertain significance (6). Last evaluated 2025-08-22.

Conditions:
Inborn genetic diseases. Identifiers: MedGen C0950123, MeSH D030342.
Osteogenesis imperfecta type 8 (OI8). Identifiers: MedGen C1970458, MONDO:0012581, OMIM 610915.

Allele frequency attached by ClinVar (database versions not stated): gnomAD 0.00012 and 0.00013; ESP Exome Variant Server 0.00016; gnomAD exomes 0.00016 and 0.00024; TOPMed 0.00016; ExAC 0.00027.
gnomAD v4.1: 359 of 1,612,184 alleles (0.022%); highest among the groups gnomAD compares: Middle Eastern, 0.033%; no homozygotes.

Submissions (6):

Ambry Genetics
Classification: Uncertain significance for Inborn genetic diseases. Last evaluated: 2025-08-22. Review status: criteria provided, single submitter. Criteria: Ambry Variant Classification Scheme 2023. Collection method: clinical testing. Allele origin: germline.

Blueprint Genetics
Classification: Uncertain significance. Last evaluated: 2024-10-25. Review status: criteria provided, single submitter. Criteria: ACMG Guidelines, 2015. Collection method: clinical testing. Allele origin: germline.

Genome-Nilou Lab
Classification: Uncertain significance for Osteogenesis imperfecta type 8. Last evaluated: 2023-04-11. Review status: criteria provided, single submitter. Criteria: ACMG Guidelines, 2015. Collection method: clinical testing. Allele origin: germline. Affected: no.

Labcorp Genetics (formerly Invitae), Labcorp
Classification: Uncertain significance for Osteogenesis imperfecta type 8. Last evaluated: 2022-11-01. Review status: criteria provided, single submitter. Criteria: Invitae Variant Classification Sherloc (09022015). Collection method: clinical testing. Allele origin: germline.
Comment: This sequence change replaces lysine, which is basic and polar, with asparagine, which is neutral and polar, at codon 142 of the P3H1 protein (p.Lys142Asn). This variant is present in population databases (rs200334947, gnomAD 0.03%). This variant has not been reported in the literature in individuals affected with P3H1-related conditions. ClinVar contains an entry for this variant (Variation ID: 468983). Advanced modeling of protein sequence and biophysical properties (such as structural, functional, and spatial information, amino acid conservation, physicochemical variation, residue mobility, and thermodynamic stability) performed at Invitae indicates that this missense variant is not expected to disrupt P3H1 protein function. In summary, the available evidence is currently insufficient to determine the role of this variant in disease. Therefore, it has been classified as a Variant of Uncertain Significance.

Fulgent Genetics
Classification: Uncertain significance for Osteogenesis imperfecta type 8. Last evaluated: 2022-04-04. Review status: criteria provided, single submitter. Criteria: ACMG Guidelines, 2015. Collection method: clinical testing. Allele origin: unknown.

Illumina Laboratory Services, Illumina
Classification: Uncertain significance for Osteogenesis imperfecta type 8. Last evaluated: 2018-01-13. Review status: criteria provided, single submitter. Criteria: ICSL Variant Classification Criteria 13 December 2019. Collection method: clinical testing. Allele origin: germline.

NM_022356.4(P3H1):c.426G>T (p.Lys142Asn)

Gene: P3H1 (prolyl 3-hydroxylase 1; minus strand). Cytogenetic location: 1p34.2.
Variant type: single nucleotide variant.
Coding change: c.426G>T on transcript NM_022356.4 (MANE Select); coding-DNA position 426, G replaced by T.
Protein change: p.Lys142Asn; replaces lysine 142 with asparagine.
Molecular consequence: missense variant.
Genome position (GRCh38, 1-based): chr1:42,766,546, C>A on the plus strand (G>T on the coding strand, the complement: P3H1 is on the minus strand). VCF-style: chr1-42766546-C-A. GRCh37 (hg19) VCF-style: chr1-43232217-C-A.
Other names: c.426G>T, p.Lys142Asn (NM_001146289.2, NM_001243246.2); short protein forms K142N.
Identifiers: ClinVar variation 468983 (VCV000468983.16), dbSNP rs200334947, ClinGen allele CA802188.
Genomic context (GRCh38, chr1:42,766,546, plus strand): 5'-TGGTTCCAGGCAGGTCTGCACCTTGAAGTAGGCGACCTGCAGGTAGTTGTAGGGGCTCCG[C>A]TTGCGGAACTCCAGCTCCATCTCTTCGCTGAGCGAGTGGGCGGCCGGCGGCCCGAGGCAG-3'
Protein context (NP_071751.3, residues 132-152): LSEEMELEFR[Lys142Asn]RSPYNYLQVA